The following is an entry in ClinVar:

NM_024649.5(BBS1):c.1385_1401dup (p.Leu468fs)

Genes: BBS1 (Bardet-Biedl syndrome 1; plus strand), ZDHHC24 (zDHHC palmitoyltransferase 24; minus strand). Cytogenetic location: 11q13.2.
Variant type: Duplication.
Coding change: c.1385_1401dup on transcript NM_024649.5 (MANE Select); coding-DNA positions 1385 to 1401, 17 bases duplicated (GTGCTGCCCGCGCCTAC).
Protein change: p.Leu468fs; shifts the reading frame from leucine 468.
Molecular consequence: frameshift variant. On other transcripts: intron variant (1).
Genome position (GRCh38, 1-based): chr11:66,529,864-66,529,880, GTGCTGCCCGCGCCTAC duplicated; duplicating any 17 consecutive bases within chr11:66,529,856-66,529,880 gives the same sequence; the c. name uses the placement nearest the transcript's 3' end. VCF-style (leftmost placement, unchanged base first): chr11-66529855-T-TGCGCCTACGTGCTGCCC. GRCh37 (hg19) VCF-style: chr11-66297326-T-TGCGCCTACGTGCTGCCC.
Other names: c.560-384_560-368dup (NM_001348571.2); c.1385_1401dup17 (NM_024649.4); short protein forms L468fs.
Identifiers: ClinVar variation 1373905 (VCV001373905.9), dbSNP rs1166459319, ClinGen allele CA599866558.

ClinVar aggregate classification (germline): Pathogenic/Likely pathogenic. Review status: criteria provided, multiple submitters, no conflicts (2 of 4 stars). 3 submissions from 3 submitters: Pathogenic (1); Likely pathogenic (2). Last evaluated 2026-08-04.

Conditions:
Bardet-Biedl syndrome 1 (BBS1). Identifiers: MedGen C2936862, MONDO:0008854, OMIM 209900. Disease mechanism: loss of function.
BBS1-related disorder. Also called: BBS1-related condition.
Bardet-Biedl syndrome (BBS). Identifiers: Orphanet 110, MedGen C0752166, MONDO:0015229.

Submissions (3):

PreventionGenetics, part of Exact Sciences
Classification: Likely pathogenic for BBS1-related condition. Last evaluated: 2026-08-04. Review status: criteria provided, single submitter. Criteria: ACMG Guidelines, 2015. Collection method: clinical testing. Allele origin: germline.
Comment: The BBS1 c.1385_1401dup17 variant is predicted to result in a frameshift and premature protein termination (p.Leu468Valfs*14). This variant was reported in the compound heterozygous state in an individual with renal cystic ciliopathy (described as c.1376_1377insGCGCCTACGTGCTGCCC, Table S3, Rao et al. 2019. PubMed ID: 31328266). This variant is reported in 0.00088% of alleles in individuals of European (Non-Finnish) descent in gnomAD. Frameshift variants in BBS1 are expected to be pathogenic. This variant is interpreted as likely pathogenic.

Fulgent Genetics
Classification: Likely pathogenic for Bardet-Biedl syndrome 1. Last evaluated: 2024-06-04. Review status: criteria provided, single submitter. Criteria: ACMG Guidelines, 2015. Collection method: clinical testing. Allele origin: germline.

Labcorp Genetics (formerly Invitae), Labcorp
Classification: Pathogenic for Bardet-Biedl syndrome. Last evaluated: 2024-01-04. Review status: criteria provided, single submitter. Criteria: Invitae Variant Classification Sherloc (09022015). Collection method: clinical testing. Allele origin: germline.
Comment: This sequence change creates a premature translational stop signal (p.Leu468Valfs*14) in the BBS1 gene. It is expected to result in an absent or disrupted protein product. Loss-of-function variants in BBS1 are known to be pathogenic (PMID: 12118255, 21520335, 27032803). This variant is present in population databases (no rsID available, gnomAD 0.0009%). This premature translational stop signal has been observed in individual(s) with clinical features of BBS1-related conditions (PMID: 31328266). This variant is also known as c.1376_1377insGCGCCTACGTGCTGCCC (p.L459fs*23). ClinVar contains an entry for this variant (Variation ID: 1373905). For these reasons, this variant has been classified as Pathogenic.

Literature cited by the submitters: PubMed 12118255 (cited by Labcorp Genetics (formerly Invitae), Labcorp); PubMed 21520335 (cited by Labcorp Genetics (formerly Invitae), Labcorp); PubMed 27032803 (cited by Labcorp Genetics (formerly Invitae), Labcorp); PubMed 31328266 (cited by Labcorp Genetics (formerly Invitae), Labcorp).